The following is an entry in ClinVar:

ClinVar aggregate classification (germline): Uncertain significance. Review status: criteria provided, single submitter (1 of 4 stars). 2 submissions from 2 submitters: Uncertain significance (1). 1 of the submissions does not count toward it. Last evaluated 2022-06-15.

Conditions:
KRT17-related disorder. Also called: KRT17-related condition.

Allele frequency attached by ClinVar (database versions not stated): gnomAD exomes below 0.00001; gnomAD 0.00001.
gnomAD v4.1: 6 of 1,613,032 alleles (0.00037%); highest among the groups gnomAD compares: Non-Finnish European, 0.00051%; no homozygotes.

Submissions (2):

Labcorp Genetics (formerly Invitae), Labcorp
Classification: Uncertain significance. Last evaluated: 2022-06-15. Review status: criteria provided, single submitter. Criteria: Invitae Variant Classification Sherloc (09022015). Collection method: clinical testing. Allele origin: germline.
Comment: This sequence change falls in intron 3 of the KRT17 gene. It does not directly change the encoded amino acid sequence of the KRT17 protein. It affects a nucleotide within the consensus splice site. This variant is present in population databases (no rsID available, gnomAD 0.007%). This variant has not been reported in the literature in individuals affected with KRT17-related conditions. Variants that disrupt the consensus splice site are a relatively common cause of aberrant splicing (PMID: 17576681, 9536098). Algorithms developed to predict the effect of sequence changes on RNA splicing suggest that this variant is not likely to affect RNA splicing. In summary, the available evidence is currently insufficient to determine the role of this variant in disease. Therefore, it has been classified as a Variant of Uncertain Significance.

PreventionGenetics, part of Exact Sciences
Classification: Likely benign for KRT17-related condition. Last evaluated: 2024-02-07. Review status: no assertion criteria provided. Collection method: clinical testing. Allele origin: germline. Not counted in ClinVar's aggregate classification.
Comment: This variant is classified as likely benign based on ACMG/AMP sequence variant interpretation guidelines (Richards et al. 2015 PMID: 25741868, with internal and published modifications).

Literature cited by the submitters: PubMed 17576681 (cited by Labcorp Genetics (formerly Invitae), Labcorp); PubMed 9536098 (cited by Labcorp Genetics (formerly Invitae), Labcorp).

NM_000422.3(KRT17):c.672+5G>A

Gene: KRT17 (keratin 17; minus strand). Cytogenetic location: 17q21.2.
Variant type: single nucleotide variant.
Coding change: c.672+5G>A on transcript NM_000422.3 (MANE Select); 5 bases into the intron after coding-DNA position 672, G replaced by A.
Molecular consequence: intron variant.
Genome position (GRCh38, 1-based): chr17:41,622,350, C>T on the plus strand (G>A on the coding strand, the complement: KRT17 is on the minus strand). VCF-style: chr17-41622350-C-T. GRCh37 (hg19) VCF-style: chr17-39778602-C-T.
Other names: c.672+5G>A (NM_000422.2).
Identifiers: ClinVar variation 1919633 (VCV001919633.7), dbSNP rs1240670657, ClinGen allele CA626017842.